The following is an entry in ClinVar:

ClinVar aggregate classification (germline): Uncertain significance (0 of 4 stars; one submission).

Conditions:
TANC2-related disorder. Also called: TANC2-related condition.

Submission:

PreventionGenetics, part of Exact Sciences
Classification: Uncertain significance for TANC2-related condition. Last evaluated: 2024-03-19. Review status: no assertion criteria provided. Collection method: clinical testing. Allele origin: germline.
Comment: The TANC2 c.3247G>A variant is predicted to result in the amino acid substitution p.Val1083Ile. To our knowledge, this variant has not been reported in the literature or in a large population database, indicating this variant is rare. At this time, the clinical significance of this variant is uncertain due to the absence of conclusive functional and genetic evidence.

NM_001394998.1(TANC2):c.3469G>A (p.Val1157Ile)

Genes: TANC2 (tetratricopeptide repeat, ankyrin repeat and coiled-coil containing 2; plus strand), LOC105371856 (uncharacterized LOC105371856; minus strand). Cytogenetic location: 17q23.3.
Variant type: single nucleotide variant.
Coding change: c.3469G>A on transcript NM_001394998.1 (MANE Select); coding-DNA position 3469, G replaced by A.
Protein change: p.Val1157Ile; replaces valine 1157 with isoleucine.
Molecular consequence: missense variant.
Genome position (GRCh38, 1-based): chr17:63,406,157, G>A. VCF-style: chr17-63406157-G-A. GRCh37 (hg19) VCF-style: chr17-61483518-G-A.
Other names: c.3247G>A, p.Val1083Ile (NM_001411076.1, NM_025185.4); short protein forms V1083I, V1157I.
Identifiers: ClinVar variation 3348322 (VCV003348322.1).